The following is an entry in ClinVar:

ClinVar aggregate classification (germline): Uncertain significance (0 of 4 stars; one submission).

Conditions:
Developmental and epileptic encephalopathy, 2 (DEE2). Also called: CDKL5 deficiency disorder; INFANTILE SPASM SYNDROME, X-LINKED 2. Identifiers: Orphanet 1934, Orphanet 3451, Orphanet 505652, MedGen C4750718, MONDO:0010396, OMIM 300672.

Submission:

RettBASE
Classification: Uncertain significance for Epileptic encephalopathy, early infantile, 2. Last evaluated: 2014-03-13. Review status: no assertion criteria provided. Collection method: curation. Allele origin: unknown. Affected: yes. Observed: 1 variant allele.
Comment: This mutation is the deletion of c.678_691, replaced with the inversion of c.673_683; open-reading frame stays the same

Literature cited by the submitters: PubMed 16611748.

NM_001323289.2(CDKL5):c.679_691delinsGATCGTGGAA (p.Leu227_Pro231delinsAspArgGlyThr)

Gene: CDKL5 (cyclin dependent kinase like 5; plus strand). Cytogenetic location: Xp22.13.
Variant type: Indel.
Coding change: c.679_691delinsGATCGTGGAA on transcript NM_001323289.2 (MANE Select); coding-DNA positions 679 to 691, CTAGGACCACTTC replaced by GATCGTGGAA.
Protein change: p.Leu227_Pro231delinsAspArgGlyThr.
Molecular consequence: inframe indel.
Genome position (GRCh38, 1-based): chrX:18,588,078-18,588,090, CTAGGACCACTTC replaced by GATCGTGGAA. VCF-style: chrX-18588078-CTAGGACCACTTC-GATCGTGGAA. GRCh37 (hg19) VCF-style: chrX-18606198-CTAGGACCACTTC-GATCGTGGAA.
Other names: c.679_691delinsGATCGTGGAA, p.Leu227_Pro231delinsAspArgGlyThr (NM_001037343.2, NM_003159.3).
Identifiers: ClinVar variation 189605 (VCV000189605.3), dbSNP rs869312851, ClinGen allele CA199426.